The following is an entry in ClinVar:

ClinVar aggregate classification (germline): Uncertain significance (1 of 4 stars; one submission).

Conditions:
Cohen syndrome (COH1). Also called: Cutis verticis gyrata, retinitis pigmentosa, and sensorineural deafness; PEPPER SYNDROME. Identifiers: Orphanet 193, MedGen C0265223, MONDO:0008999, OMIM 216550.

Submission:

Labcorp Genetics (formerly Invitae), Labcorp
Classification: Uncertain significance for Cohen syndrome. Last evaluated: 2022-07-25. Review status: criteria provided, single submitter. Criteria: Invitae Variant Classification Sherloc (09022015). Collection method: clinical testing. Allele origin: germline.
Comment: In summary, the available evidence is currently insufficient to determine the role of this variant in disease. Therefore, it has been classified as a Variant of Uncertain Significance. Experimental studies and prediction algorithms are not available or were not evaluated, and the functional significance of this variant is currently unknown. This variant has not been reported in the literature in individuals affected with VPS13B-related conditions. This variant is not present in population databases (gnomAD no frequency). This sequence change creates a premature translational stop signal (p.Tyr3993Asnfs*7) in the VPS13B gene. While this is not anticipated to result in nonsense mediated decay, it is expected to disrupt the last 30 amino acid(s) of the VPS13B protein.

NM_152564.5(VPS13B):c.11898_11901dup (p.Tyr3968fs)

Gene: VPS13B (vacuolar protein sorting 13 homolog B; plus strand). Cytogenetic location: 8q22.2.
Variant type: Duplication.
Coding change: c.11898_11901dup on transcript NM_152564.5 (MANE Select); coding-DNA positions 11898 to 11901, 4 bases duplicated (AACA; older notation c.11898_11901dupAACA).
Protein change: p.Tyr3968fs; shifts the reading frame from tyrosine 3968.
Molecular consequence: frameshift variant.
Genome position (GRCh38, 1-based): chr8:99,875,570-99,875,573, AACA duplicated; duplicating any 4 consecutive bases within chr8:99,875,569-99,875,573 gives the same sequence; the c. name uses the placement nearest the transcript's 3' end. VCF-style (leftmost placement, unchanged base first): chr8-99875568-A-AAAAC. GRCh37 (hg19) VCF-style: chr8-100887796-A-AAAAC.
Other names: c.11973_11976dup, p.Tyr3993fs (NM_017890.5); short protein forms Y3968fs, Y3993fs.
Identifiers: ClinVar variation 1964808 (VCV001964808.5), dbSNP rs753295666, ClinGen allele CA182335419.